The following is an entry in ClinVar:

NM_005733.3(KIF20A):c.997G>A (p.Glu333Lys)

Gene: KIF20A (kinesin family member 20A; plus strand). Cytogenetic location: 5q31.2.
Variant type: single nucleotide variant.
Coding change: c.997G>A on transcript NM_005733.3 (MANE Select); coding-DNA position 997, G replaced by A.
Protein change: p.Glu333Lys; replaces glutamic acid 333 with lysine.
Molecular consequence: missense variant.
Genome position (GRCh38, 1-based): chr5:138,183,333, G>A. VCF-style: chr5-138183333-G-A. GRCh37 (hg19) VCF-style: chr5-137519022-G-A.
Other names: short protein forms E333K.
Identifiers: ClinVar variation 1437522 (VCV001437522.6), dbSNP rs369749108, ClinGen allele CA3426455.

ClinVar aggregate classification (germline): Uncertain significance (1 of 4 stars; one submission).

Allele frequency attached by ClinVar (database versions not stated): gnomAD exomes 0.00001 and 0.00004; ExAC 0.00004; ESP Exome Variant Server 0.00008; gnomAD 0.00012 and 0.00014; TOPMed 0.00012.
gnomAD v4.1: 38 of 1,614,080 alleles (0.0024%); highest among the groups gnomAD compares: African/African-American, 0.031%; no homozygotes.

Submission:

Labcorp Genetics (formerly Invitae), Labcorp
Classification: Uncertain significance. Last evaluated: 2025-12-01. Review status: criteria provided, single submitter. Criteria: Invitae Variant Classification Sherloc (09022015). Collection method: clinical testing. Allele origin: germline.
Comment: This sequence change replaces glutamic acid, which is acidic and polar, with lysine, which is basic and polar, at codon 333 of the KIF20A protein (p.Glu333Lys). This variant is present in population databases (rs369749108, gnomAD 0.02%). This variant has not been reported in the literature in individuals affected with KIF20A-related conditions. ClinVar contains an entry for this variant (Variation ID: 1437522). An algorithm developed to predict the effect of missense changes on protein structure and function (PolyPhen-2) suggests that this variant is likely to be disruptive. In summary, the available evidence is currently insufficient to determine the role of this variant in disease. Therefore, it has been classified as a Variant of Uncertain Significance.